The following is an entry in ClinVar:

ClinVar aggregate classification (germline): Uncertain significance (1 of 4 stars; one submission).

Conditions:
Inborn genetic diseases. Identifiers: MedGen C0950123, MeSH D030342.

Allele frequency attached by ClinVar (database versions not stated): gnomAD exomes below 0.00001.
gnomAD v4.1: 1 of 1,614,094 alleles (0.000062%); highest among the groups gnomAD compares: Admixed American, 0.0017%; no homozygotes.

Submission:

Ambry Genetics
Classification: Uncertain significance for Inborn genetic diseases. Last evaluated: 2021-03-18. Review status: criteria provided, single submitter. Criteria: Ambry Variant Classification Scheme 2023. Collection method: clinical testing. Allele origin: germline.
Comment: The c.5912T>C (p.V1971A) alteration is located in exon 41 (coding exon 40) of the CNOT1 gene. This alteration results from a T to C substitution at nucleotide position 5912, causing the valine (V) at amino acid position 1971 to be replaced by an alanine (A). The in silico prediction for the p.V1971A alteration is inconclusive. Based on insufficient or conflicting evidence, the clinical significance of this alteration remains unclear.

NM_016284.5(CNOT1):c.5912T>C (p.Val1971Ala)

Gene: CNOT1 (CCR4-NOT transcription complex subunit 1; minus strand). Cytogenetic location: 16q21.
Variant type: single nucleotide variant.
Coding change: c.5912T>C on transcript NM_016284.5 (MANE Select); coding-DNA position 5912, T replaced by C.
Protein change: p.Val1971Ala; replaces valine 1971 with alanine.
Molecular consequence: missense variant. On other transcripts: non-coding transcript variant (1).
Genome position (GRCh38, 1-based): chr16:58,532,379, A>G on the plus strand (T>C on the coding strand, the complement: CNOT1 is on the minus strand). VCF-style: chr16-58532379-A-G. GRCh37 (hg19) VCF-style: chr16-58566283-A-G.
Other names: c.5897T>C, p.Val1966Ala (NM_001265612.2); short protein forms V1966A, V1971A.
Identifiers: ClinVar variation 2229663 (VCV002229663.2), dbSNP rs2543847083, ClinGen allele CA396162811.